The following is an entry in ClinVar:

NM_003823.4(TNFRSF6B):c.748C>T (p.Arg250Cys)

Genes: RTEL1 (regulator of telomere elongation helicase 1; plus strand), RTEL1-TNFRSF6B (RTEL1-TNFRSF6B readthrough (NMD candidate); plus strand), TNFRSF6B (TNF receptor superfamily member 6b; plus strand). Cytogenetic location: 20q13.33.
Variant type: single nucleotide variant.
Coding change: c.748C>T on transcript NM_003823.4 (MANE Select); coding-DNA position 748, C replaced by T.
Protein change: p.Arg250Cys; replaces arginine 250 with cysteine.
Molecular consequence: missense variant. On other transcripts: non-coding transcript variant (1).
Genome position (GRCh38, 1-based): chr20:63,698,408, C>T. VCF-style: chr20-63698408-C-T. GRCh37 (hg19) VCF-style: chr20-62329761-C-T.
Other names: c.748C>T (NM_003823.3); short protein forms R250C.
Identifiers: ClinVar variation 550342 (VCV000550342.10), dbSNP rs753653499, ClinGen allele CA9966590.

ClinVar aggregate classification (germline): Uncertain significance. Review status: criteria provided, multiple submitters, no conflicts (2 of 4 stars). 4 submissions from 4 submitters: Uncertain significance (3). 1 of the submissions does not count toward it. Last evaluated 2026-07-06.

Conditions:
TNFRSF6B-related disorder. Also called: TNFRSF6B-related condition.
Dyskeratosis congenita, autosomal recessive 5 (DKCB5). Identifiers: MedGen C3554656, MONDO:0014076, OMIM 615190.

Allele frequency attached by ClinVar (database versions not stated): TOPMed 0.00001; gnomAD 0.00002 and 0.00001; ExAC 0.00001; gnomAD exomes 0.00001.

Submissions (4):

PreventionGenetics, part of Exact Sciences
Classification: Uncertain significance for TNFRSF6B-related condition. Last evaluated: 2026-07-06. Review status: criteria provided, single submitter. Criteria: ACMG Guidelines, 2015. Collection method: clinical testing. Allele origin: germline.
Comment: The TNFRSF6B c.748C>T variant is predicted to result in the amino acid substitution p.Arg250Cys. To our knowledge, this variant has not been reported in the literature. This variant is reported in 0.0099% of alleles in individuals of Latino descent in gnomAD. At this time, the clinical significance of this variant is uncertain due to the absence of conclusive functional and genetic evidence.

Labcorp Genetics (formerly Invitae), Labcorp
Classification: Uncertain significance. Last evaluated: 2024-08-31. Review status: criteria provided, single submitter. Criteria: Invitae Variant Classification Sherloc (09022015). Collection method: clinical testing. Allele origin: germline.
Comment: This sequence change replaces arginine, which is basic and polar, with cysteine, which is neutral and slightly polar, at codon 250 of the TNFRSF6B protein (p.Arg250Cys). This variant is present in population databases (rs753653499, gnomAD 0.01%). This variant has not been reported in the literature in individuals affected with TNFRSF6B-related conditions. ClinVar contains an entry for this variant (Variation ID: 550342). An algorithm developed to predict the effect of missense changes on protein structure and function (PolyPhen-2) suggests that this variant is likely to be disruptive. In summary, the available evidence is currently insufficient to determine the role of this variant in disease. Therefore, it has been classified as a Variant of Uncertain Significance.

Ambry Genetics
Classification: Uncertain significance. Last evaluated: 2022-03-29. Review status: criteria provided, single submitter. Criteria: Ambry Variant Classification Scheme 2023. Collection method: clinical testing. Allele origin: germline.

Counsyl
Classification: Uncertain significance for Dyskeratosis congenita, autosomal recessive 5. Last evaluated: 2017-01-10. Review status: no assertion criteria provided. Collection method: clinical testing. Allele origin: unknown. Not counted in ClinVar's aggregate classification.